The following is an entry in ClinVar:

NM_177924.5(ASAH1):c.746T>C (p.Ile249Thr)

Gene: ASAH1 (N-acylsphingosine amidohydrolase 1; minus strand). Cytogenetic location: 8p22.
Variant type: single nucleotide variant.
Coding change: c.746T>C on transcript NM_177924.5 (MANE Select); coding-DNA position 746, T replaced by C.
Protein change: p.Ile249Thr; replaces isoleucine 249 with threonine.
Molecular consequence: missense variant.
Genome position (GRCh38, 1-based): chr8:18,061,416, A>G on the plus strand (T>C on the coding strand, the complement: ASAH1 is on the minus strand). VCF-style: chr8-18061416-A-G. GRCh37 (hg19) VCF-style: chr8-17918925-A-G.
Other names: c.728T>C, p.Ile243Thr (NM_001127505.3); c.551T>C, p.Ile184Thr (NM_001363743.2); c.794T>C, p.Ile265Thr (NM_004315.6); short protein forms I249T, I243T, I184T, I265T.
Identifiers: ClinVar variation 1512292 (VCV001512292.5), dbSNP rs759821835, ClinGen allele CA4650693.

ClinVar aggregate classification (germline): Uncertain significance (1 of 4 stars; one submission).

Allele frequency attached by ClinVar (database versions not stated): ExAC 0.00001; gnomAD 0.00001; gnomAD exomes 0.00001 and 0.00002.
gnomAD v4.1: 8 of 1,613,046 alleles (0.0005%); highest among the groups gnomAD compares: South Asian, 0.0055%; no homozygotes.

Submission:

Labcorp Genetics (formerly Invitae), Labcorp
Classification: Uncertain significance. Last evaluated: 2022-07-19. Review status: criteria provided, single submitter. Criteria: Invitae Variant Classification Sherloc (09022015). Collection method: clinical testing. Allele origin: germline.
Comment: This sequence change replaces isoleucine, which is neutral and non-polar, with threonine, which is neutral and polar, at codon 249 of the ASAH1 protein (p.Ile249Thr). This variant is present in population databases (rs759821835, gnomAD 0.006%). This variant has not been reported in the literature in individuals affected with ASAH1-related conditions. ClinVar contains an entry for this variant (Variation ID: 1512292). Algorithms developed to predict the effect of missense changes on protein structure and function output the following: SIFT: "Deleterious"; PolyPhen-2: "Benign"; Align-GVGD: "Class C25". The threonine amino acid residue is found in multiple mammalian species, which suggests that this missense change does not adversely affect protein function. Algorithms developed to predict the effect of sequence changes on RNA splicing suggest that this variant may create or strengthen a splice site. In summary, the available evidence is currently insufficient to determine the role of this variant in disease. Therefore, it has been classified as a Variant of Uncertain Significance.